The following is an entry in ClinVar:

ClinVar aggregate classification (germline): Uncertain significance (1 of 4 stars; one submission).

Conditions:
Dyskeratosis congenita, autosomal dominant 6 (DKCA6). Identifiers: Orphanet 3322, MedGen C4225284, MONDO:0014690, OMIM 616553.

Submission:

Labcorp Genetics (formerly Invitae), Labcorp
Classification: Uncertain significance for Dyskeratosis congenita, autosomal dominant 6. Last evaluated: 2022-05-29. Review status: criteria provided, single submitter. Criteria: Invitae Variant Classification Sherloc (09022015). Collection method: clinical testing. Allele origin: germline.
Comment: This sequence change replaces leucine, which is neutral and non-polar, with proline, which is neutral and non-polar, at codon 183 of the ACD protein (p.Leu183Pro). This variant is not present in population databases (gnomAD no frequency). This variant has not been reported in the literature in individuals affected with ACD-related conditions. Algorithms developed to predict the effect of missense changes on protein structure and function are either unavailable or do not agree on the potential impact of this missense change (SIFT: "Deleterious"; PolyPhen-2: "Probably Damaging"; Align-GVGD: "Class C0"). In summary, the available evidence is currently insufficient to determine the role of this variant in disease. Therefore, it has been classified as a Variant of Uncertain Significance.

NM_001082486.2(ACD):c.290T>C (p.Leu97Pro)

Gene: ACD (ACD shelterin complex subunit and telomerase recruitment factor; minus strand). Cytogenetic location: 16q22.1.
Variant type: single nucleotide variant.
Coding change: c.290T>C on transcript NM_001082486.2 (MANE Select); coding-DNA position 290, T replaced by C.
Protein change: p.Leu97Pro; replaces leucine 97 with proline.
Molecular consequence: missense variant.
Genome position (GRCh38, 1-based): chr16:67,659,748, A>G on the plus strand (T>C on the coding strand, the complement: ACD is on the minus strand). VCF-style: chr16-67659748-A-G. GRCh37 (hg19) VCF-style: chr16-67693651-A-G.
Other names: c.290T>C, p.Leu97Pro (NM_001410884.1); c.281T>C, p.Leu94Pro (NM_022914.3); short protein forms L94P, L97P.
Identifiers: ClinVar variation 1959456 (VCV001959456.5), dbSNP rs2543609097, ClinGen allele CA396355967.
Genomic context (GRCh38, chr16:67,659,748, plus strand): 5'-GTCTCACCACTCACCGCGCCGCCCTCAGCGACCTGGACATGAACCCCGCAGTCCTGCAGC[A>G]GCAGCAGCCGGCCCTCTGTCCCGCGGAAGCCGAACTCCTTCTCCTCCCTGCAACAAGCAG-3'
Protein context (NP_001075955.2, residues 87-107): GFRGTEGRLL[Leu97Pro]LQDCGVHVQV